The following is an entry in ClinVar:

ClinVar aggregate classification (germline): Benign (1 of 4 stars; one submission).

Conditions:
Tay-Sachs disease, variant AB. Also called: GM2 Activator Deficiency; Gm2-gangliosidosis, ab variant. Identifiers: Orphanet 309246, MedGen C0268275, MONDO:0010099, OMIM 272750.

Allele frequency attached by ClinVar (database versions not stated): gnomAD 0.00252 and 0.00562; gnomAD exomes 0.00489; TOPMed 0.00667; 1000 Genomes Project 30x 0.03310; 1000 Genomes Project 0.03395.
gnomAD v4.1: 3,335 of 644,962 alleles (0.52%); highest among the groups gnomAD compares: East Asian, 7.6%; 114 homozygotes.

Submission:

Illumina Laboratory Services, Illumina
Classification: Benign for Tay-Sachs disease, variant AB. Last evaluated: 2018-01-13. Review status: criteria provided, single submitter. Criteria: ICSL Variant Classification Criteria 13 December 2019. Collection method: clinical testing. Allele origin: germline.
Comment: This variant was observed in the ICSL laboratory as part of a predisposition screen in an ostensibly healthy population. It had not been previously curated by ICSL or reported in the Human Gene Mutation Database (HGMD: prior to June 1st, 2018), and was therefore a candidate for classification through an automated scoring system. Utilizing variant allele frequency, disease prevalence and penetrance estimates, and inheritance mode, an automated score was calculated to assess if this variant is too frequent to cause the disease. Based on the score and internal cut-off values, a variant classified as benign is not then subjected to further curation. The score for this variant resulted in a classification of benign for this disease.

NM_000405.5(GM2A):c.*2767C>T

Gene: GM2A (ganglioside GM2 activator; plus strand). Cytogenetic location: 5q33.1.
Variant type: single nucleotide variant.
Coding change: c.*2767C>T on transcript NM_000405.5 (MANE Select); 2767 bases downstream of the stop codon, C replaced by T.
Molecular consequence: 3 prime UTR variant.
Genome position (GRCh38, 1-based): chr5:151,270,218, C>T. VCF-style: chr5-151270218-C-T. GRCh37 (hg19) VCF-style: chr5-150649779-C-T.
Other names: c.*2578C>T (NM_001167607.3).
Identifiers: ClinVar variation 352301 (VCV000352301.5), dbSNP rs117832237, ClinGen allele CA10623645.